The following is an entry in ClinVar:

NM_000342.4(SLC4A1):c.866T>C (p.Met289Thr)

Gene: SLC4A1 (solute carrier family 4 member 1 (Diego blood group); minus strand). Cytogenetic location: 17q21.31.
Variant type: single nucleotide variant.
Coding change: c.866T>C on transcript NM_000342.4 (MANE Select); coding-DNA position 866, T replaced by C.
Protein change: p.Met289Thr; replaces methionine 289 with threonine.
Molecular consequence: missense variant.
Genome position (GRCh38, 1-based): chr17:44,259,173, A>G on the plus strand (T>C on the coding strand, the complement: SLC4A1 is on the minus strand). VCF-style: chr17-44259173-A-G. GRCh37 (hg19) VCF-style: chr17-42336541-A-G.
Other names: short protein forms M289T.
Identifiers: ClinVar variation 2982783 (VCV002982783.4), dbSNP rs150403270, ClinGen allele CA8600448.

ClinVar aggregate classification (germline): Uncertain significance. Review status: criteria provided, multiple submitters, no conflicts (2 of 4 stars). 2 submissions from 2 submitters: Uncertain significance (2). Last evaluated 2025-07-29.

Conditions:
Cryohydrocytosis. Also called: Hereditary cryohydrocytosis with normal stomatin; CRYOHYDROCYTOSIS DUE TO BAND 3 HEMEL; CRYOHYDROCYTOSIS DUE TO BAND 3 HURSTPIERPOINT; CRYOHYDROCYTOSIS DUE TO BAND 3 BLACKBURN; STOMATOCYTOSIS, COLD-SENSITIVE. Identifiers: Orphanet 398088, MedGen C1861453, MONDO:0008494, OMIM 185020.
Autosomal dominant distal renal tubular acidosis (DRTA1). Also called: RENAL TUBULAR ACIDOSIS, DISTAL, 1; RTA, CLASSIC TYPE; RTA, DISTAL TYPE, AUTOSOMAL DOMINANT; RTA, GRADIENT TYPE; Renal Tubular Acidosis, Type I. Identifiers: Orphanet 93608, MedGen CN280572, MONDO:0008368, OMIM 179800.
BLOOD GROUP, WALDNER (WD). Also called: WALDNER BLOOD GROUP ANTIGEN. Identifiers: MedGen C1862191, OMIM 112010.
BLOOD GROUP--FROESE (FR). Also called: FROESE BLOOD GROUP ANTIGEN. Identifiers: MedGen C1832168, OMIM 601551.
BLOOD GROUP--WRIGHT ANTIGEN (WR). Identifiers: MedGen C1862190, OMIM 112050.
BLOOD GROUP--SWANN SYSTEM (SW). Also called: SWANN BLOOD GROUP. Identifiers: MedGen C1832169, OMIM 601550.
BLOOD GROUP--DIEGO SYSTEM (DI). Identifiers: MedGen C1292286, OMIM 110500.
Renal tubular acidosis, distal, 4, with hemolytic anemia. Also called: Renal Tubular Acidosis, Distal, with Hemolytic Anemia. Identifiers: Orphanet 93610, MedGen C5436235, MONDO:0012700, OMIM 611590.
Malaria, susceptibility to. Identifiers: Orphanet 673, MedGen C1970028, MONDO:0021024, OMIM 611162.
Southeast Asian ovalocytosis. Also called: Elliptocytosis 4; HE, STOMATOCYTIC; Stomatocytic elliptocytosis, hereditary; Ovalocytosis, Malaysian-Melanesian-Filipino type. Identifiers: Orphanet 98868, MedGen C1862322, MONDO:0008165, OMIM 166900.
Hereditary spherocytosis type 4. Also called: SLC4A1-Related Spherocytosis. Identifiers: Orphanet 822, MedGen C2675212, MONDO:0012981, OMIM 612653.

Allele frequency attached by ClinVar (database versions not stated): gnomAD exomes below 0.00001; TOPMed 0.00002; ESP Exome Variant Server 0.00023; ExAC 0.00001; gnomAD 0.00001.
gnomAD v4.1: 8 of 1,613,828 alleles (0.0005%); highest among the groups gnomAD compares: Admixed American, 0.0017%; no homozygotes.

Submissions (2):

Labcorp Genetics (formerly Invitae), Labcorp
Classification: Uncertain significance. Last evaluated: 2025-07-29. Review status: criteria provided, single submitter. Criteria: Invitae Variant Classification Sherloc (09022015). Collection method: clinical testing. Allele origin: germline.
Comment: This sequence change replaces methionine, which is neutral and non-polar, with threonine, which is neutral and polar, at codon 289 of the SLC4A1 protein (p.Met289Thr). This variant is present in population databases (rs150403270, gnomAD 0.003%). This variant has not been reported in the literature in individuals affected with SLC4A1-related conditions. ClinVar contains an entry for this variant (Variation ID: 2982783). Invitae Evidence Modeling of protein sequence and biophysical properties (such as structural, functional, and spatial information, amino acid conservation, physicochemical variation, residue mobility, and thermodynamic stability) indicates that this missense variant is expected to disrupt SLC4A1 protein function with a positive predictive value of 80%. In summary, the available evidence is currently insufficient to determine the role of this variant in disease. Therefore, it has been classified as a Variant of Uncertain Significance.

Fulgent Genetics
Classification: Uncertain significance for BLOOD GROUP--DIEGO SYSTEM; BLOOD GROUP, WALDNER; BLOOD GROUP--WRIGHT ANTIGEN; Southeast Asian ovalocytosis; Autosomal dominant distal renal tubular acidosis; Cryohydrocytosis; BLOOD GROUP--SWANN SYSTEM; BLOOD GROUP--FROESE; Malaria, susceptibility to; Renal tubular acidosis, distal, 4, with hemolytic anemia; Hereditary spherocytosis type 4. Last evaluated: 2024-05-28. Review status: criteria provided, single submitter. Criteria: ACMG Guidelines, 2015. Collection method: clinical testing. Allele origin: germline.